The following is an entry in ClinVar:

ClinVar aggregate classification (germline): Uncertain significance. Review status: criteria provided, multiple submitters, no conflicts (2 of 4 stars). 3 submissions from 3 submitters: Uncertain significance (3). Last evaluated 2023-05-19.

Conditions:
Chitayat syndrome (CHYTS). Identifiers: MedGen C4310679, MONDO:0014956, OMIM 617180.
Lambdoidal craniosynostosis. Identifiers: MedGen C1833340, HP:0004443.
TWIST1-related craniosynostosis (CRS1). Also called: CRANIOSYNOSTOSIS 1. Identifiers: Orphanet 63440, MedGen C4551902, MONDO:0007399, OMIM 123100. Inheritance: Heterogenous inheritance pattern.

Allele frequency attached by ClinVar (database versions not stated): gnomAD exomes below 0.00001.
gnomAD v4.1: 1 of 1,596,992 alleles (0.000063%); highest among the groups gnomAD compares: Non-Finnish European, 0.000086%; no homozygotes.

Submissions (3):

Blueprint Genetics
Classification: Uncertain significance. Last evaluated: 2023-05-19. Review status: criteria provided, single submitter. Criteria: ACMG Guidelines, 2015. Collection method: clinical testing. Allele origin: germline.

Labcorp Genetics (formerly Invitae), Labcorp
Classification: Uncertain significance for TWIST1-related craniosynostosis. Last evaluated: 2022-10-17. Review status: criteria provided, single submitter. Criteria: Invitae Variant Classification Sherloc (09022015). Collection method: clinical testing. Allele origin: germline.
Comment: This sequence change replaces proline, which is neutral and non-polar, with leucine, which is neutral and non-polar, at codon 133 of the ERF protein (p.Pro133Leu). In summary, the available evidence is currently insufficient to determine the role of this variant in disease. Therefore, it has been classified as a Variant of Uncertain Significance. Algorithms developed to predict the effect of missense changes on protein structure and function (SIFT, PolyPhen-2, Align-GVGD) all suggest that this variant is likely to be tolerated. ClinVar contains an entry for this variant (Variation ID: 1696620). This variant has not been reported in the literature in individuals affected with ERF-related conditions. This variant is not present in population databases (gnomAD no frequency).

New York Genome Center
Classification: Uncertain significance for Chitayat syndrome; Craniosynostosis 4. Last evaluated: 2021-09-03. Review status: criteria provided, single submitter. Criteria: NYGC Assertion Criteria 2020. Collection method: clinical testing. Allele origin: germline. Observed: 1 heterozygote. Study: CSER-NYCKidSeq.

NM_006494.4(ERF):c.398C>T (p.Pro133Leu)

Gene: ERF (ETS2 repressor factor; minus strand). Cytogenetic location: 19q13.2.
Variant type: single nucleotide variant.
Coding change: c.398C>T on transcript NM_006494.4 (MANE Select); coding-DNA position 398, C replaced by T.
Protein change: p.Pro133Leu; replaces proline 133 with leucine.
Molecular consequence: missense variant.
Genome position (GRCh38, 1-based): chr19:42,249,714, G>A on the plus strand (C>T on the coding strand, the complement: ERF is on the minus strand). VCF-style: chr19-42249714-G-A. GRCh37 (hg19) VCF-style: chr19-42753866-G-A.
Other names: c.173C>T, p.Pro58Leu (NM_001301035.2, NM_001308402.2, NM_001312656.2); short protein forms P133L, P58L.
Identifiers: ClinVar variation 1696620 (VCV001696620.8), dbSNP rs2036411561, ClinGen allele CA406113901.